The following is an entry in ClinVar:

ClinVar aggregate classification (germline): Conflicting classifications of pathogenicity. Review status: criteria provided, conflicting classifications (1 of 4 stars). 16 submissions from 16 submitters: Uncertain significance (12); Likely benign (3). 1 of the submissions does not count toward it. Last evaluated 2026-05-04.

Conditions:
MYPN-related myopathy (CMYO24). Also called: Nemaline myopathy 11, autosomal recessive. Identifiers: MedGen C4479186, MONDO:0015023, OMIM 617336.
Dilated cardiomyopathy 1KK (CMD1KK). Identifiers: Orphanet 154, Orphanet 75249, MedGen C3714995, MONDO:0014100, OMIM 615248.
Cardiovascular phenotype. Identifiers: MedGen CN230736.

Allele frequency attached by ClinVar (database versions not stated): 1000 Genomes Project 30x 0.00016; 1000 Genomes Project 0.00020; TOPMed 0.00042; ESP Exome Variant Server 0.00046.
gnomAD v4.1: 871 of 1,614,130 alleles (0.054%); highest among the groups gnomAD compares: Non-Finnish European, 0.061%; no homozygotes.

Submissions (16):

Women's Health and Genetics/Laboratory Corporation of America, LabCorp
Classification: Uncertain significance. Last evaluated: 2026-05-04. Review status: criteria provided, single submitter. Criteria: LabCorp Variant Classification Summary - May 2015. Collection method: clinical testing. Allele origin: germline.
Comment: Variant summary: MYPN c.2863C>T (p.Arg955Trp) results in a non-conservative amino acid change located in the immunoglobulin subtype domain (IPR003599) of the encoded protein sequence. Algorithms developed to predict the effect of missense changes on protein structure and function are either unavailable or do not agree on the potential impact of this missense change. The variant allele was found at a frequency of 0.00047 in 250904 control chromosomes (gnomAD). The observed variant frequency exceeds the estimated maximal expected allele frequency for disease-causing variants in MYPN. c.2863C>T has been reported in the literature in individuals affected with dilated cardiomyopathy, hypertrophic cardiomyopathy, left ventricular noncompaction or sudden cardiac death (e.g. Meyer_2013, Seidelmann_2017, Miszalski-Jamka_2017, Jaaskelainen_2019). These data indicate that the variant may be associated with disease. To our knowledge, no experimental evidence demonstrating an impact on protein function has been reported. The following publications have been ascertained in the context of this evaluation (PMID: 30775854, 22892539, 28798025, 28087566). ClinVar contains an entry for this variant (Variation ID: 192126). Based on the evidence outlined above, the variant was classified as VUS-possibly benign.

GeneDx
Classification: Uncertain significance. Last evaluated: 2025-04-01. Review status: criteria provided, single submitter. Criteria: GeneDx Variant Classification Process June 2021. Collection method: clinical testing. Allele origin: germline. Affected: yes.
Comment: Reported in association with reduced left-ventricular function, sudden cardiac death and left ventricular non-compaction (PMID: 22892539, 28087566, 28798025); In silico analysis supports that this missense variant has a deleterious effect on protein structure/function; This variant is associated with the following publications: (PMID: 28087566, 22892539, 23861362, 28798025, 35885997)

Mayo Clinic Laboratories, Mayo Clinic
Classification: Uncertain significance. Last evaluated: 2025-03-11. Review status: criteria provided, single submitter. Criteria: ACMG Guidelines, 2015. Collection method: clinical testing. Allele origin: germline. Observed: 2 variant alleles.
Comment: BS1

Labcorp Genetics (formerly Invitae), Labcorp
Classification: Uncertain significance for Dilated cardiomyopathy 1KK. Last evaluated: 2025-01-30. Review status: criteria provided, single submitter. Criteria: Invitae Variant Classification Sherloc (09022015). Collection method: clinical testing. Allele origin: germline.
Comment: This sequence change replaces arginine, which is basic and polar, with tryptophan, which is neutral and slightly polar, at codon 955 of the MYPN protein (p.Arg955Trp). This variant is present in population databases (rs149887823, gnomAD 0.1%), and has an allele count higher than expected for a pathogenic variant. This missense change has been observed in individual(s) with clinical features of dilated cardiomyopathy, left ventricular noncompaction, or sudden cardiac death (PMID: 22892539, 28087566, 28798025). ClinVar contains an entry for this variant (Variation ID: 192126). An algorithm developed to predict the effect of missense changes on protein structure and function (PolyPhen-2) suggests that this variant is likely to be disruptive. In summary, the available evidence is currently insufficient to determine the role of this variant in disease. Therefore, it has been classified as a Variant of Uncertain Significance.

Blueprint Genetics
Classification: Likely benign. Last evaluated: 2024-11-25. Review status: criteria provided, single submitter. Criteria: ACMG Guidelines, 2015. Collection method: clinical testing. Allele origin: germline.

Fulgent Genetics
Classification: Uncertain significance for Dilated cardiomyopathy 1KK; MYPN-related myopathy. Last evaluated: 2024-05-29. Review status: criteria provided, single submitter. Criteria: ACMG Guidelines, 2015. Collection method: clinical testing. Allele origin: germline.

New York Genome Center
Classification: Uncertain significance for Dilated cardiomyopathy 1KK. Last evaluated: 2023-08-03. Review status: criteria provided, single submitter. Criteria: NYGC Assertion Criteria 2020. Collection method: clinical testing. Allele origin: germline. Observed: 1 heterozygote.

Revvity Omics, Revvity
Classification: Uncertain significance. Last evaluated: 2023-07-13. Review status: criteria provided, single submitter. Criteria: ACMG Guidelines, 2015. Collection method: clinical testing. Allele origin: germline.

Clinical Genetics Laboratory, Skane University Hospital Lund
Classification: Uncertain significance. Last evaluated: 2022-05-27. Review status: criteria provided, single submitter. Criteria: ACMG Guidelines, 2015. Collection method: clinical testing. Allele origin: germline. Affected: yes.

ARUP Laboratories, Molecular Genetics and Genomics, ARUP Laboratories
Classification: Uncertain significance. Last evaluated: 2022-04-07. Review status: criteria provided, single submitter. Criteria: ARUP Molecular Germline Variant Investigation Process 2021. Collection method: clinical testing. Allele origin: germline.
Comment: The MYPN c.2863C>T; p.Arg955Trp variant (rs149887823), is reported in the literature in eight individuals with cardiovascular disease or coronary artery disease risk (Meyer 2013, Miszalski-Jamka 2017, Ng 2013, Seidelmann 2017). This variant is also found in the non-Finnish European population with an allele frequency of 0.073% (94/128,690 alleles) in the Genome Aggregation Database. This variant is reported in ClinVar (Variation ID: 192126). Additionally, another variant at this codon (c.2864G>A, p.R955Q) has been reported in individuals with dilated cardiomyopathy as well as in controls, and the pathogenicity has not yet been yet determined (Mazzarotto 2020, Purevjav 2012). The arginine at codon 955 is moderately conserved, but computational analyses are uncertain whether this variant is neutral or deleterious (REVEL: 0.469). Due to limited information, the clinical significance of the p.Arg955Trp variant is uncertain at this time. References: Mazzarotto F et al. Reevaluating the Genetic Contribution of Monogenic Dilated Cardiomyopathy. Circulation. 2020 Feb 4;141(5):387-398. Epub 2020 Jan 27. PMID: 31983221. Meyer T et al. Novel mutations in the sarcomeric protein myopalladin in patients with dilated cardiomyopathy. Eur J Hum Genet. 2013 Mar;21(3):294-300. PMID: 22892539. Miszalski-Jamka K et al. Novel Genetic Triggers and Genotype-Phenotype Correlations in Patients With Left Ventricular Noncompaction. Circ Cardiovasc Genet. 2017 Aug;10(4):e001763. PMID: 28798025. Ng et al. Interpreting secondary cardiac disease variants in an exome cohort. Circ Cardiovasc Genet. 2013 Aug;6(4):337-46. PMID: 23861362. Purevjav E et al. Molecular basis for clinical heterogeneity in inherited cardiomyopathies due to myopalladin mutations. Hum Mol Genet. 2012 May 1;21(9):2039-53. doi: 10.1093/hmg/dds022. Epub 2012 Jan 27. PMID: 22286171. Seidelmann SB et al. Application of Whole Exome Sequencing in the Clinical Diagnosis and Management of Inherited Cardiovascular Diseases in Adults. Circ Cardiovasc Genet. 2017 Feb;10(1):e001573. PMID: 28087566.

CeGaT Center for Human Genetics Tuebingen
Classification: Uncertain significance. Last evaluated: 2021-06-01. Review status: criteria provided, single submitter. Criteria: CeGaT Center For Human Genetics Tuebingen Variant Classification Criteria Version 2. Collection method: clinical testing. Allele origin: germline. Affected: yes. Observed: 1 variant allele.

Ambry Genetics
Classification: Likely benign for Cardiovascular phenotype. Last evaluated: 2021-05-18. Review status: criteria provided, single submitter. Criteria: Ambry Variant Classification Scheme 2023. Collection method: clinical testing. Allele origin: germline.

Centre for Mendelian Genomics, University Medical Centre Ljubljana
Classification: Uncertain significance for Dilated cardiomyopathy 1KK. Last evaluated: 2020-01-28. Review status: criteria provided, single submitter. Criteria: ACMG Guidelines, 2015. Collection method: clinical testing. Allele origin: unknown. Affected: yes.
Comment: This variant was classified as: Uncertain significance. The available evidence on this variant's pathogenicity is insufficient or conflicting. The following ACMG criteria were applied in classifying this variant: PP3,BS1.

Laboratory for Molecular Medicine, Mass General Brigham Personalized Medicine
Classification: Uncertain significance. Last evaluated: 2015-07-07. Review status: criteria provided, single submitter. Criteria: LMM Criteria. Collection method: clinical testing. Allele origin: germline. Observed: 1 variant allele.
Comment: This variant has also been identified in 48/66700 of European chromos omes by the Exome Aggregation Consortium (ExAC; dbSNP rs149887823). Computational prediction tools and conservation analysis do not provide strong support for or against an impact to the protein. In summary, the clinical significance of the p.Arg955Trp variant is uncertain.

Biesecker Lab/Clinical Genomics Section, National Institutes of Health
Classification: Likely benign. Last evaluated: 2013-06-24. Review status: criteria provided, single submitter. Criteria: Ng et al. (Circ Cardiovasc Genet. 2013). Collection method: research. Allele origin: unknown. Observed: 4 variant alleles. Study: ClinSeq.
Comment: The study set was not selected for affection status in relation to any cancer. Pathogenicity categories were based on literature curation. See Pubmed ID:23861362 for details.

Medical sequencing

ClinVar Staff, National Center for Biotechnology Information (NCBI)
Classification: Uncertain significance for Dilated cardiomyopathy 1KK. Last evaluated: 2013-06-27. Review status: no assertion criteria provided. Collection method: literature only. Allele origin: germline. Affected: yes. Not counted in ClinVar's aggregate classification.

Literature cited by the submitters: PubMed 28087566 (cited by 4 submitters); PubMed 28798025 (cited by 4 submitters); PubMed 30775854 (cited by Women's Health and Genetics/Laboratory Corporation of America, LabCorp and Mayo Clinic Laboratories, Mayo Clinic); PubMed 22892539 (cited by 6 submitters); PubMed 27532257 (cited by Mayo Clinic Laboratories, Mayo Clinic and Ambry Genetics); PubMed 30847666 (cited by Mayo Clinic Laboratories, Mayo Clinic and Ambry Genetics); PubMed 33802723 (cited by Mayo Clinic Laboratories, Mayo Clinic); PubMed 35885997 (cited by Mayo Clinic Laboratories, Mayo Clinic).

NM_032578.4(MYPN):c.2863C>T (p.Arg955Trp)

Gene: MYPN (myopalladin; plus strand). Cytogenetic location: 10q21.3.
Variant type: single nucleotide variant.
Coding change: c.2863C>T on transcript NM_032578.4 (MANE Select); coding-DNA position 2863, C replaced by T.
Protein change: p.Arg955Trp; replaces arginine 955 with tryptophan.
Molecular consequence: missense variant. On other transcripts: non-coding transcript variant (2).
Genome position (GRCh38, 1-based): chr10:68,189,064, C>T. VCF-style: chr10-68189064-C-T. GRCh37 (hg19) VCF-style: chr10-69948821-C-T.
Other names: p.R955W:CGG>TGG; c.2863C>T (LRG_410t1); c.2863C>T, p.Arg955Trp (NM_001256267.2); c.1981C>T, p.Arg661Trp (NM_001256268.2); short protein forms R955W, R661W.
Identifiers: ClinVar variation 192126 (VCV000192126.74), dbSNP rs149887823, ClinGen allele CA238422.